The following is an entry in ClinVar:

NM_007059.4(KPTN):c.309+15C>G

Gene: KPTN (kaptin, actin binding protein; minus strand). Cytogenetic location: 19q13.32.
Variant type: single nucleotide variant.
Coding change: c.309+15C>G on transcript NM_007059.4 (MANE Select); 15 bases into the intron after coding-DNA position 309, C replaced by G.
Molecular consequence: intron variant.
Genome position (GRCh38, 1-based): chr19:47,483,487, G>C on the plus strand (C>G on the coding strand, the complement: KPTN is on the minus strand). VCF-style: chr19-47483487-G-C. GRCh37 (hg19) VCF-style: chr19-47986744-G-C.
Other names: c.227-272C>G (NM_001291296.2).
Identifiers: ClinVar variation 5006010 (VCV005006010.2).

ClinVar aggregate classification (germline): Uncertain significance (1 of 4 stars; one submission).

Conditions:
Macrocephaly-developmental delay syndrome (MRT41). Also called: INTELLECTUAL DEVELOPMENTAL DISORDER, AUTOSOMAL RECESSIVE 41. Identifiers: Orphanet 397612, MedGen C3810225, MONDO:0014289, OMIM 615637.

Submission:

Juno Genomics, Hangzhou Juno Genomics, Inc
Classification: Uncertain significance for Macrocephaly-developmental delay syndrome. Review status: criteria provided, single submitter. Criteria: ACMG Guidelines, 2015. Collection method: clinical testing. Allele origin: germline.
Comment: Absent from controls (or at extremely low frequency if recessive) in Genome Aggregation Database.;Multiple lines of computational evidence support a deleterious effect on the gene or gene product.